The following is an entry in ClinVar:

NM_001754.5(RUNX1):c.695G>A (p.Arg232Gln)

Gene: RUNX1 (RUNX family transcription factor 1; minus strand). Cytogenetic location: 21q22.12.
Variant type: single nucleotide variant.
Coding change: c.695G>A on transcript NM_001754.5 (MANE Select); coding-DNA position 695, G replaced by A.
Protein change: p.Arg232Gln; replaces arginine 232 with glutamine.
Molecular consequence: missense variant.
Genome position (GRCh38, 1-based): chr21:34,834,520, C>T on the plus strand (G>A on the coding strand, the complement: RUNX1 is on the minus strand). VCF-style: chr21-34834520-C-T. GRCh37 (hg19) VCF-style: chr21-36206817-C-T.
Other names: NM_001754.5(RUNX1):c.695G>A; p.Arg232Gln; c.614G>A, p.Arg205Gln (NM_001001890.3, NM_001122607.2); short protein forms R205Q, R232Q.
Identifiers: ClinVar variation 845897 (VCV000845897.11), dbSNP rs368711448, ClinGen allele CA10014376.

ClinVar aggregate classification (germline): Uncertain significance. Review status: reviewed by expert panel (3 of 4 stars). 3 submissions from 3 submitters: Uncertain significance (1). 2 of the submissions do not count toward it. Last evaluated 2024-07-11.

Conditions:
Hereditary thrombocytopenia and hematological cancer predisposition syndrome associated with RUNX1. Also called: PLATELET DISORDER, ASPIRIN-LIKE; Familial Platelet Disorder with Propensity to Acute Myelogenous Leukemia; Familial thrombocytopenia with propensity to acute myelogenous leukemia; RUNX1 Familial Platelet Disorder with Associated Myeloid Malignancies. Identifiers: Orphanet 71290, MedGen C1832388, MeSH C563324, MONDO:0100083, OMIM 601399.
Hereditary thrombocytopenia and hematologic cancer predisposition syndrome. Identifiers: Orphanet 71290, MedGen CN281654, MONDO:0011071.
Inborn genetic diseases. Identifiers: MedGen C0950123, MeSH D030342.

Allele frequency attached by ClinVar (database versions not stated): ESP Exome Variant Server 0.00008; gnomAD exomes below 0.00001 and 0.00001; ExAC 0.00001; TOPMed 0.00001.
gnomAD v4.1: 3 of 1,612,842 alleles (0.00019%); highest among the groups gnomAD compares: South Asian, 0.0011%; no homozygotes.

Submissions (3):

ClinGen Myeloid Malignancy Variant Curation Expert Panel
Classification: Uncertain significance for Hereditary thrombocytopenia and hematologic cancer predisposition syndrome. Last evaluated: 2024-07-11. Review status: reviewed by expert panel. Criteria: ClinGen MyeloMalig ACMG Specifications v2. Collection method: curation. Allele origin: germline. Inheritance: Autosomal dominant inheritance.
Comment: NM_001754.5(RUNX1):c.695G>A (p.Arg232Gln) is a missense variant which does not meet any ACMG/AMP criteria. In summary, the clinical significance of this variant is uncertain. ACMG/AMP criteria applied, as specified by the Myeloid Malignancy Variant Curation Expert Panel for RUNX1: None

Ambry Genetics
Classification: Uncertain significance for Inborn genetic diseases. Last evaluated: 2025-03-06. Review status: criteria provided, single submitter. Criteria: Ambry Variant Classification Scheme 2023. Collection method: clinical testing. Allele origin: germline. Not counted in ClinVar's aggregate classification.
Comment: The p.R232Q variant (also known as c.695G>A), located in coding exon 6 of the RUNX1 gene, results from a G to A substitution at nucleotide position 695. The arginine at codon 232 is replaced by glutamine, an amino acid with highly similar properties. This amino acid position is highly conserved in available vertebrate species. In addition, the in silico prediction for this alteration is inconclusive. Based on the available evidence, the clinical significance of this variant remains unclear.

Labcorp Genetics (formerly Invitae), Labcorp
Classification: Uncertain significance for Hereditary thrombocytopenia and hematological cancer predisposition syndrome associated with RUNX1. Last evaluated: 2022-10-24. Review status: criteria provided, single submitter. Criteria: Invitae Variant Classification Sherloc (09022015). Collection method: clinical testing. Allele origin: germline. Not counted in ClinVar's aggregate classification.
Comment: This variant is present in population databases (rs368711448, gnomAD 0.0009%). This sequence change replaces arginine, which is basic and polar, with glutamine, which is neutral and polar, at codon 232 of the RUNX1 protein (p.Arg232Gln). This variant has not been reported in the literature in individuals affected with RUNX1-related conditions. ClinVar contains an entry for this variant (Variation ID: 845897). Advanced modeling of protein sequence and biophysical properties (such as structural, functional, and spatial information, amino acid conservation, physicochemical variation, residue mobility, and thermodynamic stability) performed at Invitae indicates that this missense variant is not expected to disrupt RUNX1 protein function. In summary, the available evidence is currently insufficient to determine the role of this variant in disease. Therefore, it has been classified as a Variant of Uncertain Significance.